The following is an entry in ClinVar:

ClinVar aggregate classification (germline): Pathogenic (1 of 4 stars; one submission).

Conditions:
CFTR-related disorder (CFTR-RD). Also called: CFTR-related disorders; CFTR-related condition. Identifiers: MedGen C5924204, MONDO:7770004.

Submission:

Natera, Inc.
Classification: Pathogenic for CFTR-related disorders. Last evaluated: 2025-05-12. Review status: criteria provided, single submitter. Criteria: Natera Variant Classification Schema (03/2026). Collection method: clinical testing. Allele origin: germline.
Comment: The c.526delA variant in CFTR is a frameshift variant predicted to shift the reading frame beginning at codon 176 and leads to a stop codon 13 codons downstream. This variant is expected to result in nonsense mediated decay, truncation, or a dysfunctional protein product. This variant is rare in the general population with a frequency below the threshold expected for the associated phenotype(s). This variant has been observed in one or more individuals affected with the associated recessive disease, as either homozygous or compound heterozygous with a second variant (PMID: 16488363). Given the available evidence, this variant is classified as Pathogenic.

Literature cited by the submitters: PubMed 16488363.

NM_000492.4(CFTR):c.526del (p.Ser176fs)

Gene: CFTR (CF transmembrane conductance regulator; plus strand). Cytogenetic location: 7q31.2.
Variant type: Deletion.
Coding change: c.526del on transcript NM_000492.4 (MANE Select); coding-DNA position 526, one base deleted (A; older notation c.526delA).
Protein change: p.Ser176fs; shifts the reading frame from serine 176.
Molecular consequence: frameshift variant.
Genome position (GRCh38, 1-based): chr7:117,534,312, A deleted; the last of 2 consecutive A bases (chr7:117,534,311-117,534,312); deleting either gives the same sequence. VCF-style (leftmost placement, unchanged base first): chr7-117534310-TA-T. GRCh37 (hg19) VCF-style: chr7-117174364-TA-T.
Other names: c.526delA (NM_000492.3); short protein forms S176fs.
Identifiers: ClinVar variation 4818569 (VCV004818569.1), dbSNP rs397508745.